The following is an entry in ClinVar:

ClinVar aggregate classification (germline): not provided (0 of 4 stars; one submission).

Allele frequency attached by ClinVar (database versions not stated): gnomAD exomes below 0.00001.
gnomAD v4.1: 1 of 1,611,570 alleles (0.000062%); highest among the groups gnomAD compares: African/African-American, 0.0013%; no homozygotes.

Submission:

ITMI
No classification provided. Condition: AllHighlyPenetrant. Last evaluated: 2013-09-19. Review status: no classification provided. Collection method: reference population. Allele origin: germline.
Comment: Please see associated publication for description of ethnicities

Literature cited by the submitters: PubMed 24728327.

NM_005631.5(SMO):c.2344G>A (p.Asp782Asn)

Gene: SMO (smoothened, frizzled class receptor; plus strand). Cytogenetic location: 7q32.1.
Variant type: single nucleotide variant.
Coding change: c.2344G>A on transcript NM_005631.5 (MANE Select); coding-DNA position 2344, G replaced by A.
Protein change: p.Asp782Asn; replaces aspartic acid 782 with asparagine.
Molecular consequence: missense variant.
Genome position (GRCh38, 1-based): chr7:129,212,431, G>A. VCF-style: chr7-129212431-G-A. GRCh37 (hg19) VCF-style: chr7-128852272-G-A.
Other names: c.2344G>A, p.Asp782Asn (LRG_1393t1); short protein forms D782N.
Identifiers: ClinVar variation 135264 (VCV000135264.1), dbSNP rs587778689, ClinGen allele CA162174.